The following is an entry in ClinVar:

NM_001376.5(DYNC1H1):c.5215A>G (p.Ile1739Val)

Gene: DYNC1H1 (dynein cytoplasmic 1 heavy chain 1; plus strand). Cytogenetic location: 14q32.31.
Variant type: single nucleotide variant.
Coding change: c.5215A>G on transcript NM_001376.5 (MANE Select); coding-DNA position 5215, A replaced by G.
Protein change: p.Ile1739Val; replaces isoleucine 1739 with valine.
Molecular consequence: missense variant.
Genome position (GRCh38, 1-based): chr14:102,004,927, A>G. VCF-style: chr14-102004927-A-G. GRCh37 (hg19) VCF-style: chr14-102471264-A-G.
Other names: short protein forms I1739V.
Identifiers: ClinVar variation 1746128 (VCV001746128.2), dbSNP rs2503739211, ClinGen allele CA391045713.

ClinVar aggregate classification (germline): Uncertain significance (1 of 4 stars; one submission).

Conditions:
Inborn genetic diseases. Identifiers: MedGen C0950123, MeSH D030342.

Allele frequency attached by ClinVar (database versions not stated): gnomAD exomes below 0.00001.
gnomAD v4.1: 2 of 1,614,210 alleles (0.00012%); highest among the groups gnomAD compares: South Asian, 0.0022%; no homozygotes.

Submission:

Ambry Genetics
Classification: Uncertain significance for Inborn genetic diseases. Last evaluated: 2022-06-29. Review status: criteria provided, single submitter. Criteria: Ambry Variant Classification Scheme 2023. Collection method: clinical testing. Allele origin: germline.
Comment: The p.I1739V variant (also known as c.5215A>G), located in coding exon 25 of the DYNC1H1 gene, results from an A to G substitution at nucleotide position 5215. The isoleucine at codon 1739 is replaced by valine, an amino acid with highly similar properties. This amino acid position is conserved. In addition, this alteration is predicted to be tolerated by in silico analysis. Since supporting evidence is limited at this time, the clinical significance of this alteration remains unclear.